The following is an entry in ClinVar:

ClinVar aggregate classification (germline): Benign (1 of 4 stars; one submission).

Allele frequency attached by ClinVar (database versions not stated): gnomAD 0.77383 and 0.78501; 1000 Genomes Project 0.84085.
gnomAD v4.1: 109,021 of 138,842 alleles (79%); highest among the groups gnomAD compares: East Asian, 97%; 42,329 homozygotes.

Submissions (2):

GeneDx
Classification: Benign. Last evaluated: 2018-06-19. Review status: criteria provided, single submitter. Criteria: GeneDx Variant Classification (06012015). Collection method: clinical testing. Allele origin: germline. Affected: yes.
Comment: This variant is considered likely benign or benign based on one or more of the following criteria: it is a conservative change, it occurs at a poorly conserved position in the protein, it is predicted to be benign by multiple in silico algorithms, and/or has population frequency not consistent with disease.

Dr. Peter K. Rogan Lab, Western University
No classification provided (evidence only). Condition: Familial cancer of breast. Review status: no classification provided. Collection method: in vitro. Allele origin: not applicable. Functional consequence: retained intron. Not counted in ClinVar's aggregate classification.

NM_022132.5(MCCC2):c.1149+177C>T

Gene: MCCC2 (methylcrotonyl-CoA carboxylase subunit 2; plus strand). Cytogenetic location: 5q13.2.
Variant type: single nucleotide variant.
Coding change: c.1149+177C>T on transcript NM_022132.5 (MANE Select); 177 bases into the intron after coding-DNA position 1149, C replaced by T.
Molecular consequence: intron variant.
Genome position (GRCh38, 1-based): chr5:71,644,072, C>T. VCF-style: chr5-71644072-C-T. GRCh37 (hg19) VCF-style: chr5-70939899-C-T.
Other names: NC_000005.9:g.70939899C>T; c.1035+177C>T (NM_001363147.1).
Identifiers: ClinVar variation 667489 (VCV000667489.2), dbSNP rs56007073, ClinGen allele CA120000008.